The following is an entry in ClinVar:

NM_006282.5(STK4):c.929G>A (p.Arg310Gln)

Gene: STK4 (serine/threonine kinase 4; plus strand). Cytogenetic location: 20q13.12.
Variant type: single nucleotide variant.
Coding change: c.929G>A on transcript NM_006282.5 (MANE Select); coding-DNA position 929, G replaced by A.
Protein change: p.Arg310Gln; replaces arginine 310 with glutamine.
Molecular consequence: missense variant.
Genome position (GRCh38, 1-based): chr20:45,000,489, G>A. VCF-style: chr20-45000489-G-A. GRCh37 (hg19) VCF-style: chr20-43629130-G-A.
Other names: c.929G>A, p.Arg310Gln (NM_001352385.2); c.929G>A (NM_006282.2); short protein forms R310Q.
Identifiers: ClinVar variation 473300 (VCV000473300.10), dbSNP rs35447878, ClinGen allele CA9873927.
Genomic context (GRCh38, chr20:45,000,489, plus strand): 5'-TGCGAGACTTAATTAATGAAGCCATGGATGTGAAACTGAAACGCCAGGAATCCCAGCAGC[G>A]GGAAGTGGACCAGGACGATGAAGAAAACTCAGTGAGTGGCAGCCGTTGCTGTGGGCCTCA-3'
Protein context (NP_006273.1, residues 300-320): VKLKRQESQQ[Arg310Gln]EVDQDDEENS

ClinVar aggregate classification (germline): Uncertain significance. Review status: criteria provided, multiple submitters, no conflicts (2 of 4 stars). 3 submissions from 3 submitters: Uncertain significance (3). Last evaluated 2024-11-26.

Conditions:
Inborn genetic diseases. Identifiers: MedGen C0950123, MeSH D030342.
Combined immunodeficiency due to STK4 deficiency (IMD110). Also called: T-cell immunodeficiency, recurrent infections, and autoimmunity with or without cardiac malformations; STK4 DEFICIENCY; MST1 DEFICIENCY. Identifiers: Orphanet 314689, MedGen C3553943, MONDO:0013934, OMIM 614868.

Allele frequency attached by ClinVar (database versions not stated): gnomAD 0.00007 and 0.00009; TOPMed 0.00010; ESP Exome Variant Server 0.00023.
gnomAD v4.1: 167 of 1,613,958 alleles (0.01%); highest among the groups gnomAD compares: Middle Eastern, 0.016%; no homozygotes.

Submissions (3):

Blueprint Genetics
Classification: Uncertain significance. Last evaluated: 2024-11-26. Review status: criteria provided, single submitter. Criteria: ACMG Guidelines, 2015. Collection method: clinical testing. Allele origin: germline.

Ambry Genetics
Classification: Uncertain significance for Inborn genetic diseases. Last evaluated: 2024-09-27. Review status: criteria provided, single submitter. Criteria: Ambry Variant Classification Scheme 2023. Collection method: clinical testing. Allele origin: germline.

Labcorp Genetics (formerly Invitae), Labcorp
Classification: Uncertain significance for Combined immunodeficiency due to STK4 deficiency. Last evaluated: 2022-07-06. Review status: criteria provided, single submitter. Criteria: Invitae Variant Classification Sherloc (09022015). Collection method: clinical testing. Allele origin: germline.
Comment: This sequence change replaces arginine, which is basic and polar, with glutamine, which is neutral and polar, at codon 310 of the STK4 protein (p.Arg310Gln). This variant is present in population databases (rs35447878, gnomAD 0.01%). This variant has not been reported in the literature in individuals affected with STK4-related conditions. ClinVar contains an entry for this variant (Variation ID: 473300). Advanced modeling of protein sequence and biophysical properties (such as structural, functional, and spatial information, amino acid conservation, physicochemical variation, residue mobility, and thermodynamic stability) performed at Invitae indicates that this missense variant is not expected to disrupt STK4 protein function. In summary, the available evidence is currently insufficient to determine the role of this variant in disease. Therefore, it has been classified as a Variant of Uncertain Significance.